The following is an entry in ClinVar:

NM_021942.6(TRAPPC11):c.1162G>A (p.Val388Ile)

Gene: TRAPPC11 (trafficking protein particle complex subunit 11; plus strand). Cytogenetic location: 4q35.1.
Variant type: single nucleotide variant.
Coding change: c.1162G>A on transcript NM_021942.6 (MANE Select); coding-DNA position 1162, G replaced by A.
Protein change: p.Val388Ile; replaces valine 388 with isoleucine.
Molecular consequence: missense variant.
Genome position (GRCh38, 1-based): chr4:183,682,780, G>A. VCF-style: chr4-183682780-G-A. GRCh37 (hg19) VCF-style: chr4-184603933-G-A.
Other names: c.1162G>A, p.Val388Ile (NM_199053.3); c.1162G>A (NM_021942.4); short protein forms V388I.
Identifiers: ClinVar variation 652979 (VCV000652979.10), dbSNP rs925965846, ClinGen allele CA111848319.

ClinVar aggregate classification (germline): Uncertain significance. Review status: criteria provided, multiple submitters, no conflicts (2 of 4 stars). 2 submissions from 2 submitters: Uncertain significance (2). Last evaluated 2025-08-08.

Conditions:
Inborn genetic diseases. Identifiers: MedGen C0950123, MeSH D030342.
Autosomal recessive limb-girdle muscular dystrophy type R18 (LGMDR18). Also called: Limb-girdle muscular dystrophy, type 2S; Autosomal recessive limb-girdle muscular dystrophy type 2S; MUSCULAR DYSTROPHY, LIMB-GIRDLE, AUTOSOMAL RECESSIVE 18. Identifiers: Orphanet 369840, MedGen C4517996, MONDO:0014144, OMIM 615356.

Allele frequency attached by ClinVar (database versions not stated): TOPMed below 0.00001; gnomAD 0.00001; gnomAD exomes 0.00001.
gnomAD v4.1: 16 of 1,613,650 alleles (0.00099%); highest among the groups gnomAD compares: Middle Eastern, 0.049%; no homozygotes.

Submissions (2):

Ambry Genetics
Classification: Uncertain significance for Inborn genetic diseases. Last evaluated: 2025-08-08. Review status: criteria provided, single submitter. Criteria: Ambry Variant Classification Scheme 2023. Collection method: clinical testing. Allele origin: germline.

Labcorp Genetics (formerly Invitae), Labcorp
Classification: Uncertain significance for Autosomal recessive limb-girdle muscular dystrophy type R18. Last evaluated: 2024-02-24. Review status: criteria provided, single submitter. Criteria: Invitae Variant Classification Sherloc (09022015). Collection method: clinical testing. Allele origin: germline.
Comment: This sequence change replaces valine, which is neutral and non-polar, with isoleucine, which is neutral and non-polar, at codon 388 of the TRAPPC11 protein (p.Val388Ile). This variant is not present in population databases (gnomAD no frequency). This variant has not been reported in the literature in individuals affected with TRAPPC11-related conditions. ClinVar contains an entry for this variant (Variation ID: 652979). Advanced modeling of protein sequence and biophysical properties (such as structural, functional, and spatial information, amino acid conservation, physicochemical variation, residue mobility, and thermodynamic stability) performed at Invitae indicates that this missense variant is not expected to disrupt TRAPPC11 protein function with a negative predictive value of 80%. In summary, the available evidence is currently insufficient to determine the role of this variant in disease. Therefore, it has been classified as a Variant of Uncertain Significance.